The following is an entry in ClinVar:

ClinVar aggregate classification (germline): Uncertain significance (1 of 4 stars; one submission).

Submission:

Labcorp Genetics (formerly Invitae), Labcorp
Classification: Uncertain significance. Last evaluated: 2022-02-28. Review status: criteria provided, single submitter. Criteria: Invitae Variant Classification Sherloc (09022015). Collection method: clinical testing. Allele origin: germline.
Comment: In summary, the available evidence is currently insufficient to determine the role of this variant in disease. Therefore, it has been classified as a Variant of Uncertain Significance. Advanced modeling of protein sequence and biophysical properties (such as structural, functional, and spatial information, amino acid conservation, physicochemical variation, residue mobility, and thermodynamic stability) performed at Invitae indicates that this missense variant is expected to disrupt ATP2B2 protein function. This variant has not been reported in the literature in individuals affected with ATP2B2-related conditions. This variant is not present in population databases (gnomAD no frequency). This sequence change replaces aspartic acid, which is acidic and polar, with glutamic acid, which is acidic and polar, at codon 779 of the ATP2B2 protein (p.Asp779Glu).

NM_001001331.4(ATP2B2):c.2472C>G (p.Asp824Glu)

Gene: ATP2B2 (ATPase plasma membrane Ca2+ transporting 2; minus strand). Cytogenetic location: 3p25.3.
Variant type: single nucleotide variant.
Coding change: c.2472C>G on transcript NM_001001331.4 (MANE Select); coding-DNA position 2472, C replaced by G.
Protein change: p.Asp824Glu; replaces aspartic acid 824 with glutamic acid.
Molecular consequence: missense variant.
Genome position (GRCh38, 1-based): chr3:10,346,070, G>C on the plus strand (C>G on the coding strand, the complement: ATP2B2 is on the minus strand). VCF-style: chr3-10346070-G-C. GRCh37 (hg19) VCF-style: chr3-10387754-G-C.
Other names: c.2337C>G, p.Asp779Glu (NM_001330611.3, NM_001353564.1, NM_001363862.1 and 1 more transcripts); short protein forms D779E, D824E.
Identifiers: ClinVar variation 2104698 (VCV002104698.4), dbSNP rs775507032, ClinGen allele CA351778738.